The following is an entry in ClinVar:

ClinVar aggregate classification (germline): Likely benign (1 of 4 stars; one submission).

Submission:

CeGaT Center for Human Genetics Tuebingen
Classification: Likely benign. Last evaluated: 2026-08-01. Review status: criteria provided, single submitter. Criteria: CeGaT Center For Human Genetics Tuebingen Variant Classification Criteria Version 2. Collection method: clinical testing. Allele origin: germline. Affected: yes. Observed: 1 variant allele.
Comment: GRIA2: PM2:Supporting, BP4, BP7

NM_001083619.3(GRIA2):c.216A>C (p.Ala72=)

Gene: GRIA2 (glutamate ionotropic receptor AMPA type subunit 2; plus strand). Cytogenetic location: 4q32.1.
Variant type: single nucleotide variant.
Coding change: c.216A>C on transcript NM_001083619.3 (MANE Select); coding-DNA position 216, A replaced by C.
Protein change: p.Ala72=; no amino-acid change (alanine 72 retained).
Molecular consequence: synonymous variant.
Genome position (GRCh38, 1-based): chr4:157,221,794, A>C. VCF-style: chr4-157221794-A-C. GRCh37 (hg19) VCF-style: chr4-158142946-A-C.
Other names: c.216A>C, p.Ala72= (NM_000826.6); c.75A>C, p.Ala25= (NM_001083620.3, NM_001379000.3, NM_001379001.3).
Identifiers: ClinVar variation 5040557 (VCV005040557.1).